The following is an entry in ClinVar:

ClinVar aggregate classification (germline): Conflicting classifications of pathogenicity. Review status: criteria provided, conflicting classifications (1 of 4 stars). 2 submissions from 2 submitters: Uncertain significance (1); Likely benign (1). Last evaluated 2026-01-09.

Conditions:
Hereditary cancer-predisposing syndrome. Also called: Hereditary neoplastic syndrome; Tumor predisposition; Neoplastic Syndromes, Hereditary; Hereditary Cancer Syndrome. Identifiers: Orphanet 140162, MedGen C0027672, MeSH D009386, MONDO:0015356.
Neuroblastoma, susceptibility to, 3. Also called: ALK-Related Neuroblastic Tumor Susceptibility. Identifiers: Orphanet 635, MedGen C2751681, MONDO:0013083, OMIM 613014.

Submissions (2):

Labcorp Genetics (formerly Invitae), Labcorp
Classification: Uncertain significance for Neuroblastoma, susceptibility to, 3. Last evaluated: 2026-01-09. Review status: criteria provided, single submitter. Criteria: Invitae Variant Classification Sherloc (09022015). Collection method: clinical testing. Allele origin: germline.
Comment: This sequence change creates a premature translational stop signal (p.Ser1038Trpfs*2) in the ALK gene. It is expected to result in an absent or disrupted protein product. However, the current clinical and genetic evidence is not sufficient to establish whether loss-of-function variants in ALK cause disease. This variant is present in population databases (rs750796687, gnomAD 0.003%). This premature translational stop signal has been observed in individual(s) with uterine cancer (PMID: 29625052). ClinVar contains an entry for this variant (Variation ID: 959821). In summary, the available evidence is currently insufficient to determine the role of this variant in disease. Therefore, it has been classified as a Variant of Uncertain Significance.

Ambry Genetics
Classification: Likely benign for Hereditary cancer-predisposing syndrome. Last evaluated: 2025-05-20. Review status: criteria provided, single submitter. Criteria: Ambry Variant Classification Scheme 2023. Collection method: clinical testing. Allele origin: germline.

Literature cited by the submitters: PubMed 29625052 (cited by Labcorp Genetics (formerly Invitae), Labcorp).

NM_004304.5(ALK):c.3111_3114del (p.Ser1038fs)

Gene: ALK (ALK receptor tyrosine kinase; minus strand). Cytogenetic location: 2p23.2.
Variant type: Microsatellite.
Coding change: c.3111_3114del on transcript NM_004304.5 (MANE Select); coding-DNA positions 3111 to 3114, 4 bases deleted (CTCT; older notation c.3111_3114delCTCT).
Protein change: p.Ser1038fs; shifts the reading frame from serine 1038.
Molecular consequence: frameshift variant.
Genome position (GRCh38, 1-based): chr2:29,225,519-29,225,522, AGAG deleted on the plus strand (CTCT on the coding strand, the reverse complement: ALK is on the minus strand); deleting any 4 consecutive bases within chr2:29,225,519-29,225,524 gives the same sequence; the c. name uses the placement nearest the transcript's 3' end. VCF-style (leftmost placement, unchanged base first): chr2-29225518-CAGAG-C. GRCh37 (hg19) VCF-style: chr2-29448384-CAGAG-C.
Other names: c.3111_3114delCTCT (NM_004304.4); short protein forms S1038fs.
Identifiers: ClinVar variation 959821 (VCV000959821.8), dbSNP rs750796687, ClinGen allele CA1594072.